The following is an entry in ClinVar:

ClinVar aggregate classification (germline): Uncertain significance (1 of 4 stars; one submission).

Conditions:
Developmental and epileptic encephalopathy, 1 (DEE1). Also called: Epileptic encephalopathy, early infantile, 1; X-linked infantile spasms; West's syndrome; Tonic spasms with clustering, arrest of psychomotor development and hypsarrhythmia on EEG; X-Linked Infantile Spasm Syndrome; OHTAHARA SYNDROME, X-LINKED. Identifiers: MedGen C3463992, MONDO:0010632, OMIM 308350. Disease mechanism: loss of function.
Autosomal recessive spinocerebellar ataxia 12. Also called: SPINOCEREBELLAR ATAXIA WITH MENTAL RETARDATION AND EPILEPSY. Identifiers: Orphanet 284282, MedGen C3280452, MONDO:0013687, OMIM 614322.

Allele frequency attached by ClinVar (database versions not stated): ExAC 0.00001.
gnomAD v4.1: 8 of 1,614,230 alleles (0.0005%); highest among the groups gnomAD compares: Admixed American, 0.0033%; no homozygotes.

Submission:

Labcorp Genetics (formerly Invitae), Labcorp
Classification: Uncertain significance for Developmental and epileptic encephalopathy, 1; Autosomal recessive spinocerebellar ataxia 12. Last evaluated: 2022-05-12. Review status: criteria provided, single submitter. Criteria: Invitae Variant Classification Sherloc (09022015). Collection method: clinical testing. Allele origin: germline.
Comment: This sequence change replaces leucine, which is neutral and non-polar, with phenylalanine, which is neutral and non-polar, at codon 302 of the WWOX protein (p.Leu302Phe). This variant is present in population databases (rs757597956, gnomAD 0.003%). This variant has not been reported in the literature in individuals affected with WWOX-related conditions. ClinVar contains an entry for this variant (Variation ID: 845036). Algorithms developed to predict the effect of missense changes on protein structure and function are either unavailable or do not agree on the potential impact of this missense change (SIFT: "Not Available"; PolyPhen-2: "Probably Damaging"; Align-GVGD: "Not Available"). In summary, the available evidence is currently insufficient to determine the role of this variant in disease. Therefore, it has been classified as a Variant of Uncertain Significance.

NM_016373.4(WWOX):c.904C>T (p.Leu302Phe)

Gene: WWOX (WW domain containing oxidoreductase; plus strand). Cytogenetic location: 16q23.1.
Variant type: single nucleotide variant.
Coding change: c.904C>T on transcript NM_016373.4 (MANE Select); coding-DNA position 904, C replaced by T.
Protein change: p.Leu302Phe; replaces leucine 302 with phenylalanine.
Molecular consequence: missense variant.
Genome position (GRCh38, 1-based): chr16:78,432,600, C>T. VCF-style: chr16-78432600-C-T. GRCh37 (hg19) VCF-style: chr16-78466497-C-T.
Other names: c.565C>T, p.Leu189Phe (NM_001291997.2); short protein forms L302F, L189F.
Identifiers: ClinVar variation 845036 (VCV000845036.7), dbSNP rs757597956, ClinGen allele CA8183546.
Genomic context (GRCh38, chr16:78,432,600, plus strand): 5'-CCAACAAAAAACGACTATTGGGCGATGCTGGCTTATAACAGGTCCAAGCTCTGCAACATC[C>T]TCTTCTCCAACGAGCTGCACCGTCGCCTCTCCCCACGCGGGGTCACGTCGAACGCAGTGC-3'
Protein context (NP_057457.1, residues 292-312): AYNRSKLCNI[Leu302Phe]FSNELHRRLS